The following is an entry in ClinVar:

ClinVar aggregate classification (germline): Likely benign (0 of 4 stars; one submission).

Conditions:
PARD3-related disorder. Also called: PARD3-related condition.

Allele frequency attached by ClinVar (database versions not stated): 1000 Genomes Project 30x 0.00094; 1000 Genomes Project 0.00100; ExAC 0.00107; TOPMed 0.00109; ESP Exome Variant Server 0.00115; gnomAD 0.00115; gnomAD exomes 0.00213.
gnomAD v4.1: 3,305 of 1,614,162 alleles (0.2%); highest among the groups gnomAD compares: Non-Finnish European, 0.26%; 6 homozygotes.

Submission:

PreventionGenetics, part of Exact Sciences
Classification: Likely benign for PARD3-related condition. Last evaluated: 2022-12-13. Review status: no assertion criteria provided. Collection method: clinical testing. Allele origin: germline.
Comment: This variant is classified as likely benign based on ACMG/AMP sequence variant interpretation guidelines (Richards et al. 2015 PMID: 25741868, with internal and published modifications).

NM_001184785.2(PARD3):c.1244T>C (p.Ile415Thr)

Gene: PARD3 (par-3 family cell polarity regulator; minus strand). Cytogenetic location: 10p11.21.
Variant type: single nucleotide variant.
Coding change: c.1244T>C on transcript NM_001184785.2 (MANE Select); coding-DNA position 1244, T replaced by C.
Protein change: p.Ile415Thr; replaces isoleucine 415 with threonine.
Molecular consequence: missense variant.
Genome position (GRCh38, 1-based): chr10:34,382,695, A>G on the plus strand (T>C on the coding strand, the complement: PARD3 is on the minus strand). VCF-style: chr10-34382695-A-G. GRCh37 (hg19) VCF-style: chr10-34671623-A-G.
Other names: c.1244T>C, p.Ile415Thr (NM_001184786.2, NM_001184787.2, NM_001184788.2 and 5 more transcripts); c.1112T>C, p.Ile371Thr (NM_001184790.2, NM_001184791.2); short protein forms I371T, I415T.
Identifiers: ClinVar variation 3041373 (VCV003041373.2), dbSNP rs140098714, ClinGen allele CA5467974.